The following is an entry in ClinVar:

NM_001360016.2(G6PD):c.290A>T (p.Lys97Met)

Gene: G6PD (glucose-6-phosphate dehydrogenase; minus strand). Cytogenetic location: Xq28.
Variant type: single nucleotide variant.
Coding change: c.290A>T on transcript NM_001360016.2 (MANE Select); coding-DNA position 290, A replaced by T.
Protein change: p.Lys97Met; replaces lysine 97 with methionine.
Molecular consequence: missense variant.
Genome position (GRCh38, 1-based): chrX:154,535,363, T>A on the plus strand (A>T on the coding strand, the complement: G6PD is on the minus strand). VCF-style: chrX-154535363-T-A. GRCh37 (hg19) VCF-style: chrX-153763578-T-A.
Other names: c.380A>T, p.Lys127Met (NM_000402.4); c.290A>T, p.Lys97Met (NM_001042351.3); short protein forms K127M, K97M.
Identifiers: ClinVar variation 1722717 (VCV001722717.2), dbSNP rs782315044, ClinGen allele CA415239298.

ClinVar aggregate classification (germline): Likely pathogenic (1 of 4 stars; one submission).

Conditions:
Anemia, nonspherocytic hemolytic, due to G6PD deficiency (CNSHA1). Also called: Hemolytic anemia due to G6PD deficiency; Class I glucose-6-phosphate dehydrogenase deficiency; Favism, susceptibility to; ANEMIA, CONGENITAL, NONSPHEROCYTIC HEMOLYTIC, 1. Identifiers: Orphanet 466026, MedGen C2720289, MONDO:0010480, OMIM 300908.

Submission:

Dunham Lab, University of Washington
Classification: Likely pathogenic for Anemia, nonspherocytic hemolytic, due to G6PD deficiency. Last evaluated: 2022-08-12. Review status: criteria provided, single submitter. Criteria: Bayesian ACMG Guidelines, 2018. Collection method: curation. Allele origin: maternal. Affected: yes.
Comment: Decreased activity in red blood cells of hemizygote (PS3). Not observed in gnomAD (PM2). Post_P 0.975 (odds of pathogenicity 350.3, Prior_P 0.1).

Literature cited by the submitters: PubMed 31489982.